The following is an entry in ClinVar:

NM_001363711.2(DUOX2):c.1097C>T (p.Ala366Val)

Gene: DUOX2 (dual oxidase 2; minus strand). Cytogenetic location: 15q21.1.
Variant type: single nucleotide variant.
Coding change: c.1097C>T on transcript NM_001363711.2 (MANE Select); coding-DNA position 1097, C replaced by T.
Protein change: p.Ala366Val; replaces alanine 366 with valine.
Molecular consequence: missense variant.
Genome position (GRCh38, 1-based): chr15:45,109,924, G>A on the plus strand (C>T on the coding strand, the complement: DUOX2 is on the minus strand). VCF-style: chr15-45109924-G-A. GRCh37 (hg19) VCF-style: chr15-45402122-G-A.
Other names: c.1097C>T, p.Ala366Val (NM_014080.5); short protein forms A366V.
Identifiers: ClinVar variation 1907086 (VCV001907086.4), dbSNP rs747607646, ClinGen allele CA7538749.

ClinVar aggregate classification (germline): Uncertain significance (1 of 4 stars; one submission).

Allele frequency attached by ClinVar (database versions not stated): ExAC 0.00001.
gnomAD v4.1: 3 of 1,614,176 alleles (0.00019%); highest among the groups gnomAD compares: East Asian, 0.0067%; no homozygotes.

Submission:

Labcorp Genetics (formerly Invitae), Labcorp
Classification: Uncertain significance. Last evaluated: 2024-03-14. Review status: criteria provided, single submitter. Criteria: Invitae Variant Classification Sherloc (09022015). Collection method: clinical testing. Allele origin: germline.
Comment: This sequence change replaces alanine, which is neutral and non-polar, with valine, which is neutral and non-polar, at codon 366 of the DUOX2 protein (p.Ala366Val). This variant is present in population databases (rs747607646, gnomAD 0.01%). This missense change has been observed in individual(s) with congenital hypothyroidism (PMID: 29650690, 33631011). In at least one individual the data is consistent with being in trans (on the opposite chromosome) from a pathogenic variant. ClinVar contains an entry for this variant (Variation ID: 1907086). Advanced modeling of protein sequence and biophysical properties (such as structural, functional, and spatial information, amino acid conservation, physicochemical variation, residue mobility, and thermodynamic stability) performed at Invitae indicates that this missense variant is not expected to disrupt DUOX2 protein function with a negative predictive value of 80%. In summary, the available evidence is currently insufficient to determine the role of this variant in disease. Therefore, it has been classified as a Variant of Uncertain Significance.

Literature cited by the submitters: PubMed 29650690; PubMed 33631011.